The following is an entry in ClinVar:

ClinVar aggregate classification (germline): Uncertain significance. Review status: criteria provided, multiple submitters, no conflicts (2 of 4 stars). 7 submissions from 6 submitters: Uncertain significance (6). 1 of the submissions does not count toward it. Last evaluated 2026-09-04.

Conditions:
Retinitis pigmentosa 39 (RP39). Identifiers: Orphanet 791, MedGen C3151138, MONDO:0013436, OMIM 613809.
Usher syndrome type 2A. Also called: USHER SYNDROME, TYPE IIA; RETINAL DISEASE IN USHER SYNDROME TYPE IIA, MODIFIER OF. Identifiers: Orphanet 231178, Orphanet 886, MedGen C1848634, MONDO:0010169, OMIM 276901.
USH2A-related disorder. Also called: USH2A-related condition; USH2A-related disorders. Identifiers: MedGen CN239332.

Allele frequency attached by ClinVar (database versions not stated): gnomAD 0.00001; gnomAD exomes 0.00002 and 0.00005; TOPMed 0.00002; ExAC 0.00005.
gnomAD v4.1: 14 of 1,612,716 alleles (0.00087%); highest among the groups gnomAD compares: Admixed American, 0.023%; no homozygotes.

Submissions (7):

Myriad Genetics, Inc.
Classification: Uncertain significance for USH2A-related disorder. Last evaluated: 2026-09-04. Review status: criteria provided, single submitter. Criteria: Myriad Autosomal Dominant, Autosomal Recessive and X-Linked Classification Criteria (2023). Collection method: clinical testing. Allele origin: unknown.
Comment: NM_206933.2(USH2A):c.651G>T(Q217H) is a missense variant classified as a variant of uncertain significance in the context of USH2A-related disorders. Q217H has not been observed in cases with relevant disease. Relevant functional assessments of this variant are not available in the literature. Q217H has been observed in referenced population frequency databases. In summary, there is insufficient evidence to classify NM_206933.2(USH2A):c.651G>T(Q217H) as pathogenic or benign. Please note: this variant was assessed in the context of healthy population screening.

PreventionGenetics, part of Exact Sciences
Classification: Uncertain significance for USH2A-related condition. Last evaluated: 2026-05-21. Review status: criteria provided, single submitter. Criteria: ACMG Guidelines, 2015. Collection method: clinical testing. Allele origin: germline.
Comment: The USH2A c.651G>T variant is predicted to result in the amino acid substitution p.Gln217His. To our knowledge, this variant has not been reported in the literature. This variant is reported in 0.035% of alleles in individuals of Latino descent in gnomAD. At this time, the clinical significance of this variant is uncertain due to the absence of conclusive functional and genetic evidence.

Genome-Nilou Lab
Classification: Uncertain significance for Retinitis pigmentosa 39. Last evaluated: 2023-11-04. Review status: criteria provided, single submitter. Criteria: ACMG Guidelines, 2015. Collection method: clinical testing. Allele origin: germline. Affected: no.

Genome-Nilou Lab
Classification: Uncertain significance for Usher syndrome type 2A. Last evaluated: 2023-11-04. Review status: criteria provided, single submitter. Criteria: ACMG Guidelines, 2015. Collection method: clinical testing. Allele origin: germline. Affected: no.

GeneDx
Classification: Uncertain significance. Last evaluated: 2023-06-14. Review status: criteria provided, single submitter. Criteria: GeneDx Variant Classification Process June 2021. Collection method: clinical testing. Allele origin: germline. Affected: yes.
Comment: In silico analysis supports that this missense variant has a deleterious effect on protein structure/function; Has not been previously published as pathogenic or benign to our knowledge

Labcorp Genetics (formerly Invitae), Labcorp
Classification: Uncertain significance. Last evaluated: 2022-10-05. Review status: criteria provided, single submitter. Criteria: Invitae Variant Classification Sherloc (09022015). Collection method: clinical testing. Allele origin: germline.
Comment: This sequence change replaces glutamine, which is neutral and polar, with histidine, which is basic and polar, at codon 217 of the USH2A protein (p.Gln217His). This variant also falls at the last nucleotide of exon 3, which is part of the consensus splice site for this exon. This variant is present in population databases (rs758696021, gnomAD 0.04%). This variant has not been reported in the literature in individuals affected with USH2A-related conditions. ClinVar contains an entry for this variant (Variation ID: 850300). Algorithms developed to predict the effect of missense changes on protein structure and function are either unavailable or do not agree on the potential impact of this missense change (SIFT: "Deleterious"; PolyPhen-2: "Probably Damaging"; Align-GVGD: "Class C0"). Variants that disrupt the consensus splice site are a relatively common cause of aberrant splicing (PMID: 17576681, 9536098). Algorithms developed to predict the effect of sequence changes on RNA splicing suggest that this variant may disrupt the consensus splice site. In summary, the available evidence is currently insufficient to determine the role of this variant in disease. Therefore, it has been classified as a Variant of Uncertain Significance.

Natera, Inc.
Classification: Uncertain significance for Usher syndrome type 2A. Last evaluated: 2020-02-13. Review status: no assertion criteria provided. Collection method: clinical testing. Allele origin: germline. Not counted in ClinVar's aggregate classification.

Literature cited by the submitters: PubMed 17576681 (cited by Labcorp Genetics (formerly Invitae), Labcorp); PubMed 9536098 (cited by Labcorp Genetics (formerly Invitae), Labcorp).

NM_206933.4(USH2A):c.651G>T (p.Gln217His)

Gene: USH2A (usherin; minus strand). Cytogenetic location: 1q41.
Variant type: single nucleotide variant.
Coding change: c.651G>T on transcript NM_206933.4 (MANE Select); coding-DNA position 651, G replaced by T.
Protein change: p.Gln217His; replaces glutamine 217 with histidine.
Molecular consequence: missense variant.
Genome position (GRCh38, 1-based): chr1:216,418,514, C>A on the plus strand (G>T on the coding strand, the complement: USH2A is on the minus strand). VCF-style: chr1-216418514-C-A. GRCh37 (hg19) VCF-style: chr1-216591856-C-A.
Other names: c.651G>T, p.Gln217His (NM_007123.6); short protein forms Q217H.
Identifiers: ClinVar variation 850300 (VCV000850300.6), dbSNP rs758696021, ClinGen allele CA1396740.
Genomic context (GRCh38, chr1:216,418,514, plus strand): 5'-GAGAAAGGAAGACAAATCCTTGTGTTTAACCAAATGTTAAATATTTTTTATTTTACTCAC[C>A]TGCACACTAAGATGAATCCATTTCTTCACAAGAATTCTCCCCAGTGTCATTACTTTTATT-3'
Protein context (NP_996816.3, residues 207-227): LVKKWIHLSV[Gln217His]VHQTKISFFI